The following is an entry in ClinVar:

NM_018344.6(SLC29A3):c.1204G>A (p.Val402Ile)

Gene: SLC29A3 (solute carrier family 29 member 3; plus strand). Cytogenetic location: 10q22.1.
Variant type: single nucleotide variant.
Coding change: c.1204G>A on transcript NM_018344.6 (MANE Select); coding-DNA position 1204, G replaced by A.
Protein change: p.Val402Ile; replaces valine 402 with isoleucine.
Molecular consequence: missense variant. On other transcripts: 3 prime UTR variant (1), non-coding transcript variant (2).
Genome position (GRCh38, 1-based): chr10:71,362,384, G>A. VCF-style: chr10-71362384-G-A. GRCh37 (hg19) VCF-style: chr10-73122141-G-A.
Other names: c.*433G>A (NM_001174098.2); c.970G>A, p.Val324Ile (NM_001363518.2); short protein forms V324I, V402I.
Identifiers: ClinVar variation 1425895 (VCV001425895.5), dbSNP rs1009541174, ClinGen allele CA209388111.

ClinVar aggregate classification (germline): Uncertain significance. Review status: criteria provided, multiple submitters, no conflicts (2 of 4 stars). 2 submissions from 2 submitters: Uncertain significance (2). Last evaluated 2022-10-13.

Conditions:
H syndrome. Also called: Histiocytosis with joint contractures and sensorineural deafness; Pigmented hypertrichosis and insulin-dependent diabetes mellitus; FAISALABAD HISTIOCYTOSIS; Asrar Facharzt Haque syndrome; HISTIOCYTOSIS AND LYMPHADENOPATHY WITH OR WITHOUT CUTANEOUS, CARDIAC, AND/OR ENDOCRINE FEATURES, JOINT CONTRACTURES, AND/OR DEAFNESS; HYPERPIGMENTATION, CUTANEOUS, WITH HYPERTRICHOSIS, HEPATOSPLENOMEGALY, HEART ANOMALIES, AND HYPOGONADISM WITH OR WITHOUT HEARING LOSS. Identifiers: Orphanet 168569, MedGen C1864445, MONDO:0011273, OMIM 602782.

Allele frequency attached by ClinVar (database versions not stated): gnomAD exomes 0.00003; gnomAD 0.00006 and 0.00007; TOPMed 0.00010.
gnomAD v4.1: 171 of 1,613,956 alleles (0.011%); highest among the groups gnomAD compares: African/African-American, 0.016%; no homozygotes.

Submissions (2):

Revvity Omics, Revvity
Classification: Uncertain significance for H syndrome. Last evaluated: 2022-10-13. Review status: criteria provided, single submitter. Criteria: ACMG Guidelines, 2015. Collection method: clinical testing. Allele origin: germline.

Labcorp Genetics (formerly Invitae), Labcorp
Classification: Uncertain significance for H syndrome. Last evaluated: 2022-05-30. Review status: criteria provided, single submitter. Criteria: Invitae Variant Classification Sherloc (09022015). Collection method: clinical testing. Allele origin: germline.
Comment: This sequence change replaces valine, which is neutral and non-polar, with isoleucine, which is neutral and non-polar, at codon 402 of the SLC29A3 protein (p.Val402Ile). This variant is present in population databases (no rsID available, gnomAD 0.02%). This variant has not been reported in the literature in individuals affected with SLC29A3-related conditions. ClinVar contains an entry for this variant (Variation ID: 1425895). Algorithms developed to predict the effect of missense changes on protein structure and function (SIFT, PolyPhen-2, Align-GVGD) all suggest that this variant is likely to be tolerated. In summary, the available evidence is currently insufficient to determine the role of this variant in disease. Therefore, it has been classified as a Variant of Uncertain Significance.